The following is an entry in ClinVar:

NM_006282.5(STK4):c.301G>C (p.Val101Leu)

Gene: STK4 (serine/threonine kinase 4; plus strand). Cytogenetic location: 20q13.12.
Variant type: single nucleotide variant.
Coding change: c.301G>C on transcript NM_006282.5 (MANE Select); coding-DNA position 301, G replaced by C.
Protein change: p.Val101Leu; replaces valine 101 with leucine.
Molecular consequence: missense variant.
Genome position (GRCh38, 1-based): chr20:44,981,884, G>C. VCF-style: chr20-44981884-G-C. GRCh37 (hg19) VCF-style: chr20-43610525-G-C.
Other names: c.301G>C, p.Val101Leu (NM_001352385.2); short protein forms V101L.
Identifiers: ClinVar variation 2498885 (VCV002498885.28), dbSNP rs375543946, ClinGen allele CA409149004.

ClinVar aggregate classification (germline): Uncertain significance (1 of 4 stars; one submission).

Submission:

CeGaT Center for Human Genetics Tuebingen
Classification: Uncertain significance. Last evaluated: 2023-01-01. Review status: criteria provided, single submitter. Criteria: CeGaT Center For Human Genetics Tuebingen Variant Classification Criteria Version 2. Collection method: clinical testing. Allele origin: germline. Affected: yes. Observed: 1 variant allele.
Comment: STK4: PM2